The following is an entry in ClinVar:

NM_001163435.3(TBCK):c.1450-3C>T

Gene: TBCK (TBC1 domain containing kinase; minus strand). Cytogenetic location: 4q24.
Variant type: single nucleotide variant.
Coding change: c.1450-3C>T on transcript NM_001163435.3 (MANE Select); 3 bases into the intron before coding-DNA position 1450, C replaced by T.
Molecular consequence: intron variant.
Genome position (GRCh38, 1-based): chr4:106,233,653, G>A on the plus strand (C>T on the coding strand, the complement: TBCK is on the minus strand). VCF-style: chr4-106233653-G-A. GRCh37 (hg19) VCF-style: chr4-107154810-G-A.
Other names: c.1450-3C>T (NM_001163436.4); c.1261-3C>T (NM_033115.5); c.1333-3C>T (NM_001163437.3); c.934-3C>T (NM_001290768.2).
Identifiers: ClinVar variation 1497758 (VCV001497758.5), dbSNP rs201854626, ClinGen allele CA3035053.
Genomic context (GRCh38, chr4:106,233,653, plus strand): 5'-TATCTGTAGGAATTGGAGTGTCTTTATCAATTGCATCGTACTTGGCATGAATAGCTCCCT[G>A]CAAAAAATAAAAGAAGATATATTAATTTATCATATCCTTAATACAAATAGTAATATAGAG-3'

ClinVar aggregate classification (germline): Uncertain significance (1 of 4 stars; one submission).

Allele frequency attached by ClinVar (database versions not stated): gnomAD exomes 0.00001; ExAC 0.00002.
gnomAD v4.1: 20 of 1,599,638 alleles (0.0013%); highest among the groups gnomAD compares: Admixed American, 0.0017%; no homozygotes.

Submission:

Labcorp Genetics (formerly Invitae), Labcorp
Classification: Uncertain significance. Last evaluated: 2024-10-22. Review status: criteria provided, single submitter. Criteria: Invitae Variant Classification Sherloc (09022015). Collection method: clinical testing. Allele origin: germline.
Comment: This sequence change falls in intron 15 of the TBCK gene. It does not directly change the encoded amino acid sequence of the TBCK protein. It affects a nucleotide within the consensus splice site. The frequency data for this variant in the population databases is considered unreliable, as metrics indicate poor data quality at this position in the gnomAD database. This variant has not been reported in the literature in individuals affected with TBCK-related conditions. ClinVar contains an entry for this variant (Variation ID: 1497758). Variants that disrupt the consensus splice site are a relatively common cause of aberrant splicing (PMID: 17576681, 9536098). Algorithms developed to predict the effect of sequence changes on RNA splicing suggest that this variant is not likely to affect RNA splicing. In summary, the available evidence is currently insufficient to determine the role of this variant in disease. Therefore, it has been classified as a Variant of Uncertain Significance.

Literature cited by the submitters: PubMed 17576681; PubMed 9536098.